The following is an entry in ClinVar:

NM_004415.4(DSP):c.1337T>C (p.Val446Ala)

Gene: DSP (desmoplakin; plus strand). Cytogenetic location: 6p24.3.
Variant type: single nucleotide variant.
Coding change: c.1337T>C on transcript NM_004415.4 (MANE Select); coding-DNA position 1337, T replaced by C.
Protein change: p.Val446Ala; replaces valine 446 with alanine.
Molecular consequence: missense variant.
Genome position (GRCh38, 1-based): chr6:7,568,507, T>C. VCF-style: chr6-7568507-T-C. GRCh37 (hg19) VCF-style: chr6-7568740-T-C.
Other names: c.1337T>C, p.Val446Ala (NM_001008844.3, NM_001319034.2, NM_001406591.1); short protein forms V446A.
Identifiers: ClinVar variation 3348950 (VCV003348950.2).

ClinVar aggregate classification (germline): Uncertain significance (1 of 4 stars; one submission).

Conditions:
DSP-related disorder. Also called: DSP-related condition; DSP-related disorders.

Submission:

PreventionGenetics, part of Exact Sciences
Classification: Uncertain significance for DSP-related condition. Last evaluated: 2026-09-04. Review status: criteria provided, single submitter. Criteria: ACMG Guidelines, 2015. Collection method: clinical testing. Allele origin: germline.
Comment: The DSP c.1337T>C variant is predicted to result in the amino acid substitution p.Val446Ala. To our knowledge, this variant has not been reported in the literature or in a large population database (gnomAD), indicating this variant is rare. At this time, the clinical significance of this variant is uncertain due to the absence of conclusive functional and genetic evidence.